The following is an entry in ClinVar:

ClinVar aggregate classification (germline): Pathogenic/Likely pathogenic. Review status: criteria provided, multiple submitters, no conflicts (2 of 4 stars). 2 submissions from 2 submitters: Pathogenic (1); Likely pathogenic (1). Last evaluated 2024-12-24.

Conditions:
VPS13A-related neurodegenerative disease. Also called: LEVINE-CRITCHLEY SYNDROME; Choreoacanthocytosis; VPS13A Disease; Chorea-acanthocytosis; Choreaacanthocytosis; ACANTHOCYTOSIS WITH NEUROLOGIC DISORDER. Identifiers: Orphanet 2388, MedGen C0393576, MONDO:0008695, OMIM 200150.

Allele frequency attached by ClinVar (database versions not stated): TOPMed below 0.00001.
gnomAD v4.1: 3 of 1,613,428 alleles (0.00019%); highest among the groups gnomAD compares: Non-Finnish European, 0.00017%; no homozygotes.

Submissions (2):

Natera, Inc.
Classification: Likely pathogenic for Choreaacanthocytosis. Last evaluated: 2024-12-24. Review status: criteria provided, single submitter. Criteria: Natera Variant Classification Schema (03/2026). Collection method: clinical testing. Allele origin: germline.
Comment: The c.3562C>T variant in VPS13A is a nonsense variant predicted to introduce a stop codon at amino acid 1188. This variant is expected to result in nonsense mediated decay, truncation, or a dysfunctional protein product. This variant is rare in the general population with a frequency below the threshold expected for the associated phenotype(s). Given the available evidence, this variant is classified as Likely Pathogenic.

Labcorp Genetics (formerly Invitae), Labcorp
Classification: Pathogenic. Last evaluated: 2023-06-05. Review status: criteria provided, single submitter. Criteria: Invitae Variant Classification Sherloc (09022015). Collection method: clinical testing. Allele origin: germline.
Comment: For these reasons, this variant has been classified as Pathogenic. ClinVar contains an entry for this variant (Variation ID: 2058985). This premature translational stop signal has been observed in individual(s) with autosomal recessive choreoacanthocytosis (PMID: 31192303). This variant is present in population databases (no rsID available, gnomAD 0.0009%). This sequence change creates a premature translational stop signal (p.Gln1188*) in the VPS13A gene. It is expected to result in an absent or disrupted protein product. Loss-of-function variants in VPS13A are known to be pathogenic (PMID: 12404112, 21598378).

Literature cited by the submitters: PubMed 31192303 (cited by Labcorp Genetics (formerly Invitae), Labcorp); PubMed 12404112 (cited by Labcorp Genetics (formerly Invitae), Labcorp); PubMed 21598378 (cited by Labcorp Genetics (formerly Invitae), Labcorp).

NM_033305.3(VPS13A):c.3562C>T (p.Gln1188Ter)

Gene: VPS13A (vacuolar protein sorting 13 homolog A; plus strand). Cytogenetic location: 9q21.2.
Variant type: single nucleotide variant.
Coding change: c.3562C>T on transcript NM_033305.3 (MANE Select); coding-DNA position 3562, C replaced by T.
Protein change: p.Gln1188Ter; replaces glutamine 1188 with a stop codon.
Molecular consequence: nonsense.
Genome position (GRCh38, 1-based): chr9:77,295,596, C>T. VCF-style: chr9-77295596-C-T. GRCh37 (hg19) VCF-style: chr9-79910512-C-T.
Other names: c.3562C>T (NM_033305.2); c.3445C>T, p.Gln1149Ter (NM_001018037.2); c.3562C>T, p.Gln1188Ter (NM_001018038.3, NM_015186.4); short protein forms Q1149*, Q1188*.
Identifiers: ClinVar variation 2058985 (VCV002058985.5), dbSNP rs1312264385, ClinGen allele CA373849675.